The following is an entry in ClinVar:

ClinVar aggregate classification (germline): Uncertain significance (1 of 4 stars; one submission).

gnomAD v4.1: 6 of 1,612,686 alleles (0.00037%); highest among the groups gnomAD compares: East Asian, 0.013%; no homozygotes.

Submission:

Labcorp Genetics (formerly Invitae), Labcorp
Classification: Uncertain significance. Last evaluated: 2022-08-09. Review status: criteria provided, single submitter. Criteria: Invitae Variant Classification Sherloc (09022015). Collection method: clinical testing. Allele origin: germline.
Comment: This sequence change replaces isoleucine, which is neutral and non-polar, with leucine, which is neutral and non-polar, at codon 738 of the PNPLA8 protein (p.Ile738Leu). This variant is present in population databases (rs781083736, gnomAD 0.04%). This variant has not been reported in the literature in individuals affected with PNPLA8-related conditions. Algorithms developed to predict the effect of missense changes on protein structure and function output the following: SIFT: "Tolerated"; PolyPhen-2: "Benign"; Align-GVGD: "Class C0". The leucine amino acid residue is found in multiple mammalian species, which suggests that this missense change does not adversely affect protein function. In summary, the available evidence is currently insufficient to determine the role of this variant in disease. Therefore, it has been classified as a Variant of Uncertain Significance.

NM_001256007.3(PNPLA8):c.2212A>C (p.Ile738Leu)

Gene: PNPLA8 (patatin like domain 8, phospholipase A2; minus strand). Cytogenetic location: 7q31.1.
Variant type: single nucleotide variant.
Coding change: c.2212A>C on transcript NM_001256007.3 (MANE Select); coding-DNA position 2212, A replaced by C.
Protein change: p.Ile738Leu; replaces isoleucine 738 with leucine.
Molecular consequence: missense variant.
Genome position (GRCh38, 1-based): chr7:108,472,538, T>G on the plus strand (A>C on the coding strand, the complement: PNPLA8 is on the minus strand). VCF-style: chr7-108472538-T-G. GRCh37 (hg19) VCF-style: chr7-108112982-T-G.
Other names: c.2212A>C, p.Ile738Leu (NM_001256008.3, NM_015723.5); c.2026A>C, p.Ile676Leu (NM_001256009.3); c.1912A>C, p.Ile638Leu (NM_001256010.3, NM_001256011.3); short protein forms I738L, I676L, I638L.
Identifiers: ClinVar variation 2019800 (VCV002019800.1), dbSNP rs781083736, ClinGen allele CA4439359.